The following is an entry in ClinVar:

NM_000238.4(KCNH2):c.925C>A (p.His309Asn)

Gene: KCNH2 (potassium voltage-gated channel subfamily H member 2; minus strand). Cytogenetic location: 7q36.1.
Variant type: single nucleotide variant.
Coding change: c.925C>A on transcript NM_000238.4 (MANE Select); coding-DNA position 925, C replaced by A.
Protein change: p.His309Asn; replaces histidine 309 with asparagine.
Molecular consequence: missense variant. On other transcripts: non-coding transcript variant (1).
Genome position (GRCh38, 1-based): chr7:150,957,494, G>T on the plus strand (C>A on the coding strand, the complement: KCNH2 is on the minus strand). VCF-style: chr7-150957494-G-T. GRCh37 (hg19) VCF-style: chr7-150654582-G-T.
Other names: c.925C>A, p.His309Asn (NM_172056.3); c.637C>A, p.His213Asn (NM_001406753.1, NM_001406756.1); c.748C>A, p.His250Asn (NM_001406755.1); c.625C>A, p.His209Asn (NM_001406757.1); short protein forms H250N, H213N, H309N, H209N.
Identifiers: ClinVar variation 4825158 (VCV004825158.1).

ClinVar aggregate classification (germline): Uncertain significance (1 of 4 stars; one submission).

Conditions:
Cardiovascular phenotype. Identifiers: MedGen CN230736.

Submission:

Ambry Genetics
Classification: Uncertain significance for Cardiovascular phenotype. Last evaluated: 2026-03-02. Review status: criteria provided, single submitter. Criteria: Ambry Variant Classification Scheme 2023. Collection method: clinical testing. Allele origin: germline.
Comment: The p.H309N variant (also known as c.925C>A), located in coding exon 5 of the KCNH2 gene, results from a C to A substitution at nucleotide position 925. The histidine at codon 309 is replaced by asparagine, an amino acid with similar properties. This variant was reported in an individual referred for long QT syndrome genetic testing (Janin A et al. Mol Diagn Ther, 2021 May;25:373-385). This amino acid position is well conserved in available vertebrate species. In addition, the in silico prediction for this alteration is inconclusive. Based on the available evidence, the clinical significance of this variant remains unclear.

Literature cited by the submitters: PubMed 33954932.